The following is an entry in ClinVar:

ClinVar aggregate classification (germline): Conflicting classifications of pathogenicity. Review status: criteria provided, conflicting classifications (1 of 4 stars). 2 submissions from 2 submitters: Uncertain significance (1); Likely benign (1). Last evaluated 2025-12-05.

Allele frequency attached by ClinVar (database versions not stated): ExAC 0.00006; gnomAD 0.00007; ESP Exome Variant Server 0.00008; TOPMed 0.00009.
gnomAD v4.1: 190 of 1,614,052 alleles (0.012%); highest among the groups gnomAD compares: Non-Finnish European, 0.016%; 1 homozygote.

Submissions (3):

Labcorp Genetics (formerly Invitae), Labcorp
Classification: Uncertain significance. Last evaluated: 2025-12-05. Review status: criteria provided, single submitter. Criteria: Invitae Variant Classification Sherloc (09022015). Collection method: clinical testing. Allele origin: germline.
Comment: This sequence change replaces isoleucine, which is neutral and non-polar, with methionine, which is neutral and non-polar, at codon 150 of the EFTUD2 protein (p.Ile150Met). This variant is present in population databases (rs368997855, gnomAD 0.02%), including at least one homozygous and/or hemizygous individual. This variant has not been reported in the literature in individuals affected with EFTUD2-related conditions. ClinVar contains an entry for this variant (Variation ID: 2415262). Invitae Evidence Modeling of protein sequence and biophysical properties (such as structural, functional, and spatial information, amino acid conservation, physicochemical variation, residue mobility, and thermodynamic stability) indicates that this missense variant is not expected to disrupt EFTUD2 protein function with a negative predictive value of 80%. In summary, the available evidence is currently insufficient to determine the role of this variant in disease. Therefore, it has been classified as a Variant of Uncertain Significance.

Blueprint Genetics
Classification: Likely benign. Last evaluated: 2024-11-13. Review status: criteria provided, single submitter. Criteria: ACMG Guidelines, 2015. Collection method: clinical testing. Allele origin: germline.

Dr. Peter K. Rogan Lab, Western University
No classification provided (evidence only). Condition: Acute myeloid leukemia. Review status: no classification provided. Collection method: in vitro. Allele origin: not applicable. Functional consequence: retained intron. Not counted in ClinVar's aggregate classification.

NM_004247.4(EFTUD2):c.450T>G (p.Ile150Met)

Gene: EFTUD2 (elongation factor Tu GTP binding domain containing 2; minus strand). Cytogenetic location: 17q21.31.
Variant type: single nucleotide variant.
Coding change: c.450T>G on transcript NM_004247.4 (MANE Select); coding-DNA position 450, T replaced by G.
Protein change: p.Ile150Met; replaces isoleucine 150 with methionine.
Molecular consequence: missense variant. On other transcripts: intron variant (1).
Genome position (GRCh38, 1-based): chr17:44,883,135, A>C on the plus strand (T>G on the coding strand, the complement: EFTUD2 is on the minus strand). VCF-style: chr17-44883135-A-C. GRCh37 (hg19) VCF-style: chr17-42960503-A-C.
Other names: c.345T>G, p.Ile115Met (NM_001142605.2); c.450T>G, p.Ile150Met (NM_001258353.2); c.427-7T>G (NM_001258354.2); short protein forms I115M, I150M.
Identifiers: ClinVar variation 2415262 (VCV002415262.8), dbSNP rs368997855, ClinGen allele CA8608090.